The following is an entry in ClinVar:

NM_000062.3(SERPING1):c.120_121del (p.Gly41fs)

Gene: SERPING1 (serpin family G member 1; plus strand). Cytogenetic location: 11q12.1.
Variant type: Microsatellite.
Coding change: c.120_121del on transcript NM_000062.3 (MANE Select); coding-DNA positions 120 to 121, 2 bases deleted (AG; older notation c.120_121delAG).
Protein change: p.Gly41fs; shifts the reading frame from glycine 41.
Molecular consequence: frameshift variant.
Genome position (GRCh38, 1-based): chr11:57,599,947-57,599,948, AG deleted; deleting any 2 consecutive bases within chr11:57,599,945-57,599,948 gives the same sequence; the c. name uses the placement nearest the transcript's 3' end. VCF-style (leftmost placement, unchanged base first): chr11-57599944-CAG-C. GRCh37 (hg19) VCF-style: chr11-57367417-CAG-C.
Other names: c.120_121del, p.Gly41fs (NM_001032295.2); c.120_121delAG (NM_000062.3); short protein forms G41fs.
Identifiers: ClinVar variation 3248624 (VCV003248624.2), dbSNP rs2495425174.

ClinVar aggregate classification (germline): Pathogenic (1 of 4 stars; one submission).

Conditions:
Hereditary angioedema type 1 (HAE1). Identifiers: Orphanet 100050, Orphanet 100051, Orphanet 91378, MedGen C2717906, MONDO:0015053, OMIM 106100.

Submission:

DNA-diagnostics Laboratory, Research Centre For Medical Genetics
Classification: Pathogenic for Hereditary angioedema type 1. Last evaluated: 2024-06-01. Review status: criteria provided, single submitter. Criteria: ACMG Guidelines, 2015. Collection method: research. Allele origin: germline. Inheritance: Autosomal dominant inheritance. Affected: yes. Observed: 3 variant alleles, 3 heterozygotes.
Comment: According to the published information of Freiberger et al., 2002, Grodecká et al., 2017, Ponard et all, 2020, the c.120_121delAG variant in SERPING1 meets ACMG/ClinGen SVI guidance criteria to be classified as pathogenic: PVS1, PP4_Str, PM6, PS4_Mod, PM2_Sup

Literature cited by the submitters: PubMed 11933207; PubMed 28359783; DOI 10.1002/humu.23917.